The following is an entry in ClinVar:

ClinVar aggregate classification (germline): Likely pathogenic. Review status: reviewed by expert panel (3 of 4 stars). 4 submissions from 3 submitters: Likely pathogenic (1). 3 of the submissions do not count toward it. Last evaluated 2026-05-07.

Conditions:
Idiopathic and/or familial pulmonary arterial hypertension. Identifiers: Orphanet 422, MedGen C5679820, MONDO:0008347.
Pulmonary arterial hypertension. Identifiers: Orphanet 182090, MedGen C2973725, MeSH D000081029, MONDO:0015924, HP:0002092.
Pulmonary arterial hypertension associated with congenital heart disease. Identifiers: Orphanet 275803, MedGen C3697119, MONDO:0017152.
Pulmonary venoocclusive disease 1 (PVOD1). Also called: Pulmonary venoocclusive disease 1, autosomal dominant. Identifiers: Orphanet 31837, MedGen C3887658, MONDO:0020713, OMIM 265450.
Pulmonary hypertension, primary, 1 (PPH1). Also called: Pulmonary hypertension, familial primary, 1, with or without HHT. Identifiers: Orphanet 422, MedGen C4552070, MONDO:0024533, OMIM 178600.

Submissions (4):

Clingen Pulmonary Hypertension Variant Curation Expert Panel, ClinGen
Classification: Likely pathogenic for Pulmonary arterial hypertension. Last evaluated: 2026-05-07. Review status: reviewed by expert panel. Criteria: ClinGen PH ACMG Specifications BMPR2 V2.0.0. Collection method: curation. Allele origin: germline. Inheritance: Autosomal dominant inheritance.
Comment: The BMPR2 c.529+1G>A variant is in the canonical donor splice site (+1) of intron 4, leading to in frame exon skipping. The variant is absent from gnomAD v4.1.0 and v2.1.1 (controls) (PM2_supporting) and has been reported in two idiopathic PAH probands (PMID:31727138) (PS4_supporting). In silico prediction with SpliceAI predicts donor splice site loss (score = 1.0). The expected in-frame deletion of 37 amino acids (Ser140-Thr176) includes 21 amino acids (Ile151-Gly171) of the conserved transmembrane domain (PVS1_strong). PM1 and PP3 were not applied to avoid double counting with PVS1. PP1, PS2, and PM6 were not assessed due to absence of co-segregation data. In summary, this variant meets the criteria to be classified as likely pathogenic for pulmonary arterial hypertension based on the ACMG/AMP criteria applied, as specified by the ClinGen Pulmonary Hypertension VCEP: PVS1_strong, PS4_supporting, PM2_supporting (VCEP specification version 2.0, 1/30/2026)

Fulgent Genetics
Classification: Pathogenic for Pulmonary hypertension, primary, 1; Pulmonary venoocclusive disease 1. Last evaluated: 2021-08-24. Review status: criteria provided, single submitter. Criteria: ACMG Guidelines, 2015. Collection method: clinical testing. Allele origin: unknown. Not counted in ClinVar's aggregate classification.

Wendy Chung Laboratory, Boston Children's Hospital
Classification: Likely pathogenic for Pulmonary arterial hypertension associated with congenital heart disease. Last evaluated: 2018-06-27. Review status: criteria provided, single submitter. Criteria: ACMG Guidelines, 2015. Collection method: case-control. Allele origin: unknown. Affected: yes. Observed: 1 variant allele. Not counted in ClinVar's aggregate classification.

Wendy Chung Laboratory, Boston Children's Hospital
No classification provided. Condition: Idiopathic and/or familial pulmonary arterial hypertension. Review status: no classification provided. Collection method: literature only. Allele origin: germline. Affected: yes. Observed: 2 variant alleles. Not counted in ClinVar's aggregate classification.

Literature cited by the submitters: PubMed 30029678 (cited by Wendy Chung Laboratory, Boston Children's Hospital); PubMed 31727138 (cited by Wendy Chung Laboratory, Boston Children's Hospital).

NM_001204.7(BMPR2):c.529+1G>A

Gene: BMPR2 (bone morphogenetic protein receptor type 2; plus strand). Cytogenetic location: 2q33.2.
Variant type: single nucleotide variant.
Coding change: c.529+1G>A on transcript NM_001204.7 (MANE Select); the canonical splice donor site of the intron after coding-DNA position 529, G replaced by A.
Molecular consequence: splice donor variant.
Genome position (GRCh38, 1-based): chr2:202,513,830, G>A. VCF-style: chr2-202513830-G-A. GRCh37 (hg19) VCF-style: chr2-203378553-G-A.
Identifiers: ClinVar variation 548686 (VCV000548686.5), dbSNP rs1553508187, ClinGen allele CA350338496.
Genomic context (GRCh38, chr2:202,513,830, plus strand): 5'-CAGTCTCTGTATTAGCTGTTTTGATAGTTGCCTTATGCTTTGGATACAGAATGTTGACAG[G>A]TAAAAATTACCATTTTTTGTCCTATTGTTTATTAAACATGCAATTTAATCAATTTATTTG-3'